The following is an entry in ClinVar:

ClinVar aggregate classification (germline): Uncertain significance (1 of 4 stars; one submission).

Conditions:
Catecholaminergic polymorphic ventricular tachycardia 1. Also called: VENTRICULAR TACHYCARDIA, STRESS-INDUCED POLYMORPHIC 1; RYR2-Related Catecholaminergic Polymorphic Ventricular Tachycardia; VENTRICULAR TACHYCARDIA, CATECHOLAMINERGIC POLYMORPHIC, 1, WITH OR WITHOUT ATRIAL DYSFUNCTION AND/OR DILATED CARDIOMYOPATHY. Identifiers: Orphanet 3286, MedGen C1631597, MONDO:0011484, OMIM 604772.

Submission:

Labcorp Genetics (formerly Invitae), Labcorp
Classification: Uncertain significance for Catecholaminergic polymorphic ventricular tachycardia 1. Last evaluated: 2025-06-25. Review status: criteria provided, single submitter. Criteria: Invitae Variant Classification Sherloc (09022015). Collection method: clinical testing. Allele origin: germline.
Comment: This sequence change replaces alanine, which is neutral and non-polar, with valine, which is neutral and non-polar, at codon 2936 of the RYR2 protein (p.Ala2936Val). This variant is not present in population databases (gnomAD no frequency). This variant has not been reported in the literature in individuals affected with RYR2-related conditions. Invitae Evidence Modeling of protein sequence and biophysical properties (such as structural, functional, and spatial information, amino acid conservation, physicochemical variation, residue mobility, and thermodynamic stability) indicates that this missense variant is expected to disrupt RYR2 protein function with a positive predictive value of 95%. In summary, the available evidence is currently insufficient to determine the role of this variant in disease. Therefore, it has been classified as a Variant of Uncertain Significance.

NM_001035.3(RYR2):c.8807C>T (p.Ala2936Val)

Gene: RYR2 (ryanodine receptor 2; plus strand). Cytogenetic location: 1q43.
Variant type: single nucleotide variant.
Coding change: c.8807C>T on transcript NM_001035.3 (MANE Select); coding-DNA position 8807, C replaced by T.
Protein change: p.Ala2936Val; replaces alanine 2936 with valine.
Molecular consequence: missense variant.
Genome position (GRCh38, 1-based): chr1:237,674,823, C>T. VCF-style: chr1-237674823-C-T. GRCh37 (hg19) VCF-style: chr1-237838123-C-T.
Other names: short protein forms A2936V.
Identifiers: ClinVar variation 4800096 (VCV004800096.1).